The following is an entry in ClinVar:

NM_004082.5(DCTN1):c.161C>T (p.Thr54Ile)

Gene: DCTN1 (dynactin subunit 1; minus strand). Cytogenetic location: 2p13.1.
Variant type: single nucleotide variant.
Coding change: c.161C>T on transcript NM_004082.5 (MANE Select); coding-DNA position 161, C replaced by T.
Protein change: p.Thr54Ile; replaces threonine 54 with isoleucine.
Molecular consequence: missense variant. On other transcripts: non-coding transcript variant (1).
Genome position (GRCh38, 1-based): chr2:74,378,118, G>A on the plus strand (C>T on the coding strand, the complement: DCTN1 is on the minus strand). VCF-style: chr2-74378118-G-A. GRCh37 (hg19) VCF-style: chr2-74605245-G-A.
Other names: c.161C>T, p.Thr54Ile (NM_001135040.3, NM_001190837.2); c.110C>T, p.Thr37Ile (NM_001190836.2, NM_001378991.1, NM_001378992.1); short protein forms T37I, T54I.
Identifiers: ClinVar variation 2137207 (VCV002137207.4), dbSNP rs1279804596, ClinGen allele CA347322446.
Genomic context (GRCh38, chr2:74,378,118, plus strand): 5'-TGAACAGTTCCATCATTTTTGCCCTTTGCTTCATCCAGAATCACGCCTACCCATTTGCCA[G>A]TGGCAAACAGTGTGGCTCCAACATAGGCCACAGTGCCTCGGTGGCCTTTTCCAATCACCT-3'
Protein context (NP_004073.2, residues 44-64): VAYVGATLFA[Thr54Ile]GKWVGVILDE

ClinVar aggregate classification (germline): Uncertain significance (1 of 4 stars; one submission).

Conditions:
Amyotrophic lateral sclerosis type 1 (ALS1). Also called: AMYOTROPHIC LATERAL SCLEROSIS 1, FAMILIAL. Identifiers: Orphanet 803, MedGen C1862939, MONDO:0007103, OMIM 105400.
Perry syndrome. Also called: PARKINSONISM WITH ALVEOLAR HYPOVENTILATION AND MENTAL DEPRESSION. Identifiers: Orphanet 178509, MedGen C1868594, MONDO:0008201, OMIM 168605.
Neuronopathy, distal hereditary motor, type 7B. Also called: HMN VIIB; LOWER MOTOR NEURON DISEASE, DYNACTIN TYPE; NEURONOPATHY, DISTAL HEREDITARY MOTOR, AUTOSOMAL DOMINANT 14; NEURONOPATHY, DISTAL HEREDITARY MOTOR, HARDING TYPE VIIB; NEUROPATHY, DISTAL HEREDITARY MOTOR, HARDING TYPE VIIB; NEUROPATHY, DISTAL HEREDITARY MOTOR, WITH VOCAL CORD PARALYSIS, HARDING TYPE VIIB. Identifiers: Orphanet 139589, MedGen C1843315, MONDO:0011879, OMIM 607641.

gnomAD v4.1: 1 of 1,614,236 alleles (0.000062%); no homozygotes.

Submission:

Labcorp Genetics (formerly Invitae), Labcorp
Classification: Uncertain significance for Amyotrophic lateral sclerosis type 1; Neuronopathy, distal hereditary motor, type 7B; Perry syndrome. Last evaluated: 2022-02-28. Review status: criteria provided, single submitter. Criteria: Invitae Variant Classification Sherloc (09022015). Collection method: clinical testing. Allele origin: germline.
Comment: In summary, the available evidence is currently insufficient to determine the role of this variant in disease. Therefore, it has been classified as a Variant of Uncertain Significance. Algorithms developed to predict the effect of missense changes on protein structure and function (SIFT, PolyPhen-2, Align-GVGD) all suggest that this variant is likely to be disruptive. This missense change has been observed in individual(s) with amyotrophic lateral sclerosis (PMID: 25558820). This variant is not present in population databases (gnomAD no frequency). This sequence change replaces threonine, which is neutral and polar, with isoleucine, which is neutral and non-polar, at codon 54 of the DCTN1 protein (p.Thr54Ile).

Literature cited by the submitters: PubMed 25558820.